The following is an entry in ClinVar:

NM_080680.3(COL11A2):c.200A>C (p.Gln67Pro)

Gene: COL11A2 (collagen type XI alpha 2 chain; minus strand). Cytogenetic location: 6p21.32.
Variant type: single nucleotide variant.
Coding change: c.200A>C on transcript NM_080680.3 (MANE Select); coding-DNA position 200, A replaced by C.
Protein change: p.Gln67Pro; replaces glutamine 67 with proline.
Molecular consequence: missense variant.
Genome position (GRCh38, 1-based): chr6:33,189,352, T>G on the plus strand (A>C on the coding strand, the complement: COL11A2 is on the minus strand). VCF-style: chr6-33189352-T-G. GRCh37 (hg19) VCF-style: chr6-33157129-T-G.
Other names: c.200A>C, p.Gln67Pro (NM_001163771.2, NM_080679.3, NM_080681.3); short protein forms Q67P.
Identifiers: ClinVar variation 2444641 (VCV002444641.1), dbSNP rs2535558975, ClinGen allele CA363613118.

ClinVar aggregate classification (germline): Uncertain significance (1 of 4 stars; one submission).

Submission:

GeneDx
Classification: Uncertain significance. Last evaluated: 2022-09-20. Review status: criteria provided, single submitter. Criteria: GeneDx Variant Classification Process June 2021. Collection method: clinical testing. Allele origin: germline. Affected: yes.
Comment: Not observed at significant frequency in large population cohorts (gnomAD); In silico analysis supports that this missense variant has a deleterious effect on protein structure/function; Has not been previously published as pathogenic or benign to our knowledge